The following is an entry in ClinVar:

ClinVar aggregate classification (germline): Conflicting classifications of pathogenicity. Review status: criteria provided, conflicting classifications (1 of 4 stars). 5 submissions from 5 submitters: Uncertain significance (2); Benign (1); Likely benign (2). Last evaluated 2025-05-01.

Conditions:
MYL3-related disorder. Also called: MYL3-related condition.
Cardiomyopathy (CMYO). Also called: Cardiomyopathies. Identifiers: Orphanet 167848, MedGen C0878544, MONDO:0004994, HP:0001638. Inheritance: Various modes of inheritance.
Hypertrophic cardiomyopathy 8. Also called: CARDIOMYOPATHY, HYPERTROPHIC, MID-LEFT VENTRICULAR CHAMBER TYPE, 1; MYL3-Related Familial Hypertrophic Cardiomyopathy. Identifiers: MedGen C1837471, MONDO:0012111, OMIM 608751.

Allele frequency attached by ClinVar (database versions not stated): TOPMed 0.00003; gnomAD 0.00004; ExAC 0.00007; gnomAD exomes 0.00007 and 0.00008.
gnomAD v4.1: 110 of 1,614,050 alleles (0.0068%); highest among the groups gnomAD compares: South Asian, 0.034%; no homozygotes.

Submissions (5):

PreventionGenetics, part of Exact Sciences
Classification: Likely benign for MYL3-related condition. Last evaluated: 2025-05-01. Review status: criteria provided, single submitter. Criteria: ACMG Guidelines, 2015. Collection method: clinical testing. Allele origin: germline.
Comment: This variant is classified as likely benign based on ACMG/AMP sequence variant interpretation guidelines (Richards et al. 2015 PMID: 25741868, with internal and published modifications).

Blueprint Genetics
Classification: Likely benign. Last evaluated: 2023-06-15. Review status: criteria provided, single submitter. Criteria: ACMG Guidelines, 2015. Collection method: clinical testing. Allele origin: germline.

Color Diagnostics, LLC DBA Color Health
Classification: Benign for Cardiomyopathy. Last evaluated: 2019-11-20. Review status: criteria provided, single submitter. Criteria: ACMG Guidelines, 2015. Collection method: clinical testing. Allele origin: germline.

Illumina Laboratory Services, Illumina
Classification: Uncertain significance for Hypertrophic cardiomyopathy 8. Last evaluated: 2018-01-13. Review status: criteria provided, single submitter. Criteria: ICSL Variant Classification Criteria 13 December 2019. Collection method: clinical testing. Allele origin: germline.

Laboratory for Molecular Medicine, Mass General Brigham Personalized Medicine
Classification: Uncertain significance. Last evaluated: 2014-07-25. Review status: criteria provided, single submitter. Criteria: LMM Criteria. Collection method: clinical testing. Allele origin: germline. Observed: 1 variant allele.

NM_000258.3(MYL3):c.*5C>T

Gene: MYL3 (myosin light chain 3; minus strand). Cytogenetic location: 3p21.31.
Variant type: single nucleotide variant.
Coding change: c.*5C>T on transcript NM_000258.3 (MANE Select); 5 bases downstream of the stop codon, C replaced by T.
Molecular consequence: 3 prime UTR variant.
Genome position (GRCh38, 1-based): chr3:46,858,239, G>A on the plus strand (C>T on the coding strand, the complement: MYL3 is on the minus strand). VCF-style: chr3-46858239-G-A. GRCh37 (hg19) VCF-style: chr3-46899729-G-A.
Identifiers: ClinVar variation 179888 (VCV000179888.12), dbSNP rs727505197, ClinGen allele CA014064.